The following is an entry in ClinVar:

NM_032040.5(CCDC8):c.862G>A (p.Gly288Arg)

Gene: CCDC8 (coiled-coil domain containing 8 subunit of 3M complex; minus strand). Cytogenetic location: 19q13.32.
Variant type: single nucleotide variant.
Coding change: c.862G>A on transcript NM_032040.5 (MANE Select); coding-DNA position 862, G replaced by A.
Protein change: p.Gly288Arg; replaces glycine 288 with arginine.
Molecular consequence: missense variant.
Genome position (GRCh38, 1-based): chr19:46,411,949, C>T on the plus strand (G>A on the coding strand, the complement: CCDC8 is on the minus strand). VCF-style: chr19-46411949-C-T. GRCh37 (hg19) VCF-style: chr19-46915206-C-T.
Other names: c.862G>A (NM_032040.4, NM_032040.3); short protein forms G288R.
Identifiers: ClinVar variation 1447339 (VCV001447339.7), dbSNP rs147620109, ClinGen allele CA9528601.

ClinVar aggregate classification (germline): Uncertain significance. Review status: criteria provided, multiple submitters, no conflicts (2 of 4 stars). 3 submissions from 3 submitters: Uncertain significance (3). Last evaluated 2026-04-08.

Conditions:
Inborn genetic diseases. Identifiers: MedGen C0950123, MeSH D030342.

Allele frequency attached by ClinVar (database versions not stated): gnomAD 0.00007 and 0.00008; ESP Exome Variant Server 0.00015; 1000 Genomes Project 30x 0.00016; 1000 Genomes Project 0.00020; TOPMed 0.00006; gnomAD exomes 0.00011.
gnomAD v4.1: 169 of 1,610,984 alleles (0.01%); highest among the groups gnomAD compares: Non-Finnish European, 0.013%; no homozygotes.

Submissions (3):

GeneDx
Classification: Uncertain significance. Last evaluated: 2026-04-08. Review status: criteria provided, single submitter. Criteria: GeneDx Variant Classification Process June 2021. Collection method: clinical testing. Allele origin: germline.
Comment: In silico analysis suggests that this missense variant does not alter protein structure/function; Has not been previously published as pathogenic or benign to our knowledge

Ambry Genetics
Classification: Uncertain significance for Inborn genetic diseases. Last evaluated: 2024-03-25. Review status: criteria provided, single submitter. Criteria: Ambry Variant Classification Scheme 2023. Collection method: clinical testing. Allele origin: germline.

Labcorp Genetics (formerly Invitae), Labcorp
Classification: Uncertain significance. Last evaluated: 2023-07-29. Review status: criteria provided, single submitter. Criteria: Invitae Variant Classification Sherloc (09022015). Collection method: clinical testing. Allele origin: germline.
Comment: ClinVar contains an entry for this variant (Variation ID: 1447339). This variant has not been reported in the literature in individuals affected with CCDC8-related conditions. This variant is present in population databases (rs147620109, gnomAD 0.03%). This sequence change replaces glycine, which is neutral and non-polar, with arginine, which is basic and polar, at codon 288 of the CCDC8 protein (p.Gly288Arg). Algorithms developed to predict the effect of missense changes on protein structure and function output the following: SIFT: "Not Available"; PolyPhen-2: "Benign"; Align-GVGD: "Not Available". The arginine amino acid residue is found in multiple mammalian species, which suggests that this missense change does not adversely affect protein function. In summary, the available evidence is currently insufficient to determine the role of this variant in disease. Therefore, it has been classified as a Variant of Uncertain Significance.